The following is an entry in ClinVar:

ClinVar aggregate classification (germline): Uncertain significance (1 of 4 stars; one submission).

Allele frequency attached by ClinVar (database versions not stated): gnomAD exomes below 0.00001.
gnomAD v4.1: 2 of 1,613,002 alleles (0.00012%); highest among the groups gnomAD compares: Non-Finnish European, 0.00017%; no homozygotes.

Submission:

Labcorp Genetics (formerly Invitae), Labcorp
Classification: Uncertain significance. Last evaluated: 2024-04-16. Review status: criteria provided, single submitter. Criteria: Invitae Variant Classification Sherloc (09022015). Collection method: clinical testing. Allele origin: germline.
Comment: This sequence change replaces arginine, which is basic and polar, with tryptophan, which is neutral and slightly polar, at codon 381 of the CHRM2 protein (p.Arg381Trp). This variant is not present in population databases (gnomAD no frequency). This variant has not been reported in the literature in individuals affected with CHRM2-related conditions. ClinVar contains an entry for this variant (Variation ID: 2097507). An algorithm developed to predict the effect of missense changes on protein structure and function (PolyPhen-2) suggests that this variant is likely to be disruptive. In summary, the available evidence is currently insufficient to determine the role of this variant in disease. Therefore, it has been classified as a Variant of Uncertain Significance.

NM_001006630.2(CHRM2):c.1141C>T (p.Arg381Trp)

Genes: CHRM2 (cholinergic receptor muscarinic 2; plus strand), LOC349160 (uncharacterized LOC349160; minus strand). Cytogenetic location: 7q33.
Variant type: single nucleotide variant.
Coding change: c.1141C>T on transcript NM_001006630.2 (MANE Select); coding-DNA position 1141, C replaced by T.
Protein change: p.Arg381Trp; replaces arginine 381 with tryptophan.
Molecular consequence: missense variant.
Genome position (GRCh38, 1-based): chr7:137,016,006, C>T. VCF-style: chr7-137016006-C-T. GRCh37 (hg19) VCF-style: chr7-136700753-C-T.
Other names: c.1141C>T, p.Arg381Trp (NM_000739.3, NM_001006626.3, NM_001006627.3 and 6 more transcripts); short protein forms R381W.
Identifiers: ClinVar variation 2097507 (VCV002097507.4), dbSNP rs2536211928, ClinGen allele CA369488049.